The following is an entry in ClinVar:

ClinVar aggregate classification (germline): Uncertain significance (1 of 4 stars; one submission).

Conditions:
Autosomal dominant limb-girdle muscular dystrophy type 1G (LGMDD3). Also called: Limb-girdle muscular dystrophy, type 1G; MUSCULAR DYSTROPHY, LIMB-GIRDLE, AUTOSOMAL DOMINANT 3. Identifiers: Orphanet 55596, MedGen C1836765, MONDO:0012193, OMIM 609115.

Submission:

Labcorp Genetics (formerly Invitae), Labcorp
Classification: Uncertain significance for Autosomal dominant limb-girdle muscular dystrophy type 1G. Last evaluated: 2025-04-10. Review status: criteria provided, single submitter. Criteria: Invitae Variant Classification Sherloc (09022015). Collection method: clinical testing. Allele origin: germline.
Comment: This sequence change replaces arginine, which is basic and polar, with leucine, which is neutral and non-polar, at codon 79 of the HNRNPDL protein (p.Arg79Leu). This variant is not present in population databases (gnomAD no frequency). This variant has not been reported in the literature in individuals affected with HNRNPDL-related conditions. An algorithm developed to predict the effect of missense changes on protein structure and function (PolyPhen-2) suggests that this variant is likely to be tolerated. In summary, the available evidence is currently insufficient to determine the role of this variant in disease. Therefore, it has been classified as a Variant of Uncertain Significance.

NM_031372.4(HNRNPDL):c.236G>T (p.Arg79Leu)

Gene: HNRNPDL (heterogeneous nuclear ribonucleoprotein D like; minus strand). Cytogenetic location: 4q21.22.
Variant type: single nucleotide variant.
Coding change: c.236G>T on transcript NM_031372.4 (MANE Select); coding-DNA position 236, G replaced by T.
Protein change: p.Arg79Leu; replaces arginine 79 with leucine.
Molecular consequence: missense variant. On other transcripts: non-coding transcript variant (1).
Genome position (GRCh38, 1-based): chr4:82,429,455, C>A on the plus strand (G>T on the coding strand, the complement: HNRNPDL is on the minus strand). VCF-style: chr4-82429455-C-A. GRCh37 (hg19) VCF-style: chr4-83350608-C-A.
Other names: c.236G>T, p.Arg79Leu (NM_001207000.1); short protein forms R79L.
Identifiers: ClinVar variation 4714426 (VCV004714426.1).
Genomic context (GRCh38, chr4:82,429,455, plus strand): 5'-GCGGAGCGTTGTATGGAGCTGGATTTAAAATGGCGGCGGAAGAGATCCGGGCGCCGCCTG[C>A]GCCCTCCCTTTATAGCCGCCCCGCCCGCCAATCGGGAGGGCTGCTGGGCGGTGACGTGGC-3'
Protein context (NP_112740.1, residues 69-89): LAGGAAIKGG[Arg79Leu]RRRPDLFRRH